The following is an entry in ClinVar:

NM_000321.3(RB1):c.979A>G (p.Lys327Glu)

Gene: RB1 (RB transcriptional corepressor 1; plus strand). Cytogenetic location: 13q14.2.
Variant type: single nucleotide variant.
Coding change: c.979A>G on transcript NM_000321.3 (MANE Select); coding-DNA position 979, A replaced by G.
Protein change: p.Lys327Glu; replaces lysine 327 with glutamic acid.
Molecular consequence: missense variant.
Genome position (GRCh38, 1-based): chr13:48,367,533, A>G. VCF-style: chr13-48367533-A-G. GRCh37 (hg19) VCF-style: chr13-48941669-A-G.
Other names: c.979A>G, p.Lys327Glu (NM_001407165.1, NM_001407166.1); short protein forms K327E.
Identifiers: ClinVar variation 2779196 (VCV002779196.4), dbSNP rs753067086, ClinGen allele CA040132.

ClinVar aggregate classification (germline): Uncertain significance. Review status: criteria provided, multiple submitters, no conflicts (2 of 4 stars). 2 submissions from 2 submitters: Uncertain significance (2). Last evaluated 2025-11-20.

Conditions:
Hereditary cancer-predisposing syndrome. Also called: Neoplastic Syndromes, Hereditary; Tumor predisposition; Hereditary Cancer Syndrome; Hereditary neoplastic syndrome. Identifiers: Orphanet 140162, MedGen C0027672, MeSH D009386, MONDO:0015356.
Retinoblastoma (RB1). Also called: RETINOBLASTOMA, SOMATIC. Identifiers: Orphanet 790, MedGen C0035335, MeSH D012175, MONDO:0008380, OMIM 180200, HP:0009919. Disease mechanism: loss of function. Inheritance: Both sporadic and heritable forms are tested..

Allele frequency attached by ClinVar (database versions not stated): ExAC 0.00001.

Submissions (2):

Ambry Genetics
Classification: Uncertain significance for Hereditary cancer-predisposing syndrome. Last evaluated: 2025-11-20. Review status: criteria provided, single submitter. Criteria: Ambry Variant Classification Scheme 2023. Collection method: clinical testing. Allele origin: germline.
Comment: The p.K327E variant (also known as c.979A>G), located in coding exon 10 of the RB1 gene, results from an A to G substitution at nucleotide position 979. The lysine at codon 327 is replaced by glutamic acid, an amino acid with similar properties. This amino acid position is highly conserved in available vertebrate species. In addition, this alteration is predicted to be deleterious by in silico analysis. Based on the available evidence, the clinical significance of this variant remains unclear.

Labcorp Genetics (formerly Invitae), Labcorp
Classification: Uncertain significance for Retinoblastoma. Last evaluated: 2023-07-03. Review status: criteria provided, single submitter. Criteria: Invitae Variant Classification Sherloc (09022015). Collection method: clinical testing. Allele origin: germline.
Comment: In summary, the available evidence is currently insufficient to determine the role of this variant in disease. Therefore, it has been classified as a Variant of Uncertain Significance. Advanced modeling of protein sequence and biophysical properties (such as structural, functional, and spatial information, amino acid conservation, physicochemical variation, residue mobility, and thermodynamic stability) performed at Invitae indicates that this missense variant is not expected to disrupt RB1 protein function. This variant has not been reported in the literature in individuals affected with RB1-related conditions. This variant is present in population databases (rs753067086, gnomAD 0.006%). This sequence change replaces lysine, which is basic and polar, with glutamic acid, which is acidic and polar, at codon 327 of the RB1 protein (p.Lys327Glu).